The following is an entry in ClinVar:

ClinVar aggregate classification (germline): Uncertain significance (1 of 4 stars; one submission).

Conditions:
TH-deficient dopa-responsive dystonia. Also called: Tyrosine Hydroxylase-Deficient Dopa-Responsive Dystonia; Segawa syndrome, autosomal recessive; DYT-TH. Identifiers: Orphanet 101150, MedGen C2673535, MONDO:0011551, OMIM 605407.

Allele frequency attached by ClinVar (database versions not stated): TOPMed 0.00006; ESP Exome Variant Server 0.00008.
gnomAD v4.1: 17 of 1,612,256 alleles (0.0011%); highest among the groups gnomAD compares: African/African-American, 0.015%; no homozygotes.

Submission:

Labcorp Genetics (formerly Invitae), Labcorp
Classification: Uncertain significance for TH-deficient dopa-responsive dystonia. Last evaluated: 2024-10-22. Review status: criteria provided, single submitter. Criteria: Invitae Variant Classification Sherloc (09022015). Collection method: clinical testing. Allele origin: germline.
Comment: This sequence change replaces glutamic acid, which is acidic and polar, with lysine, which is basic and polar, at codon 100 of the TH protein (p.Glu100Lys). This variant is present in population databases (rs374853290, gnomAD 0.02%). This variant has not been reported in the literature in individuals affected with TH-related conditions. ClinVar contains an entry for this variant (Variation ID: 2197631). Invitae Evidence Modeling of protein sequence and biophysical properties (such as structural, functional, and spatial information, amino acid conservation, physicochemical variation, residue mobility, and thermodynamic stability) has been performed for this missense variant. However, the output from this modeling did not meet the statistical confidence thresholds required to predict the impact of this variant on TH protein function. In summary, the available evidence is currently insufficient to determine the role of this variant in disease. Therefore, it has been classified as a Variant of Uncertain Significance.

NM_000360.4(TH):c.205G>A (p.Glu69Lys)

Gene: TH (tyrosine hydroxylase; minus strand). Cytogenetic location: 11p15.5.
Variant type: single nucleotide variant.
Coding change: c.205G>A on transcript NM_000360.4 (MANE Select); coding-DNA position 205, G replaced by A.
Protein change: p.Glu69Lys; replaces glutamic acid 69 with lysine.
Molecular consequence: missense variant.
Genome position (GRCh38, 1-based): chr11:2,169,757, C>T on the plus strand (G>A on the coding strand, the complement: TH is on the minus strand). VCF-style: chr11-2169757-C-T. GRCh37 (hg19) VCF-style: chr11-2190987-C-T.
Other names: c.298G>A, p.Glu100Lys (NM_199292.3); c.286G>A, p.Glu96Lys (NM_199293.3); short protein forms E96K, E69K, E100K.
Identifiers: ClinVar variation 2197631 (VCV002197631.2), dbSNP rs374853290, ClinGen allele CA5818761.
Genomic context (GRCh38, chr11:2,169,757, plus strand): 5'-TCGGGGAGAAGAGCAGGTTTAGCACGGCCTTCCCCTCCTTCTCCTCAAAGGCCACAGCCT[C>T]CAGGGGGTCCCCGGGCTCCGAGGGGACTGCAGCGGCCGCTGCTGCCACCGCCGCCTCCCG-3'
Protein context (NP_000351.2, residues 59-79): AVPSEPGDPL[Glu69Lys]AVAFEEKEGK